The following is an entry in ClinVar:

ClinVar aggregate classification (germline): Uncertain significance (1 of 4 stars; one submission).

Conditions:
Developmental and epileptic encephalopathy, 66. Also called: EPILEPTIC ENCEPHALOPATHY, EARLY INFANTILE, 66. Identifiers: MedGen C4748070, MONDO:0054845, OMIM 618067.

Submission:

Dasa
Classification: Uncertain significance for Developmental and epileptic encephalopathy, 66. Last evaluated: 2025-10-31. Review status: criteria provided, single submitter. Criteria: DASA Assertion Criteria. Collection method: clinical testing. Allele origin: germline.
Comment: NM_001100913.3(PACS2):c.230C>G (p.Ser77Cys) is a missense variant that results in the substitution of serine with cysteine. This variant is rare in population databases. The currently available literature and clinical evidence are not sufficient to establish a definitive association between this variant and the reported condition. Therefore, this variant is classified as a variant of uncertain significance.

NM_001100913.3(PACS2):c.230C>G (p.Ser77Cys)

Gene: PACS2 (phosphofurin acidic cluster sorting protein 2; plus strand). Cytogenetic location: 14q32.33.
Variant type: single nucleotide variant.
Coding change: c.230C>G on transcript NM_001100913.3 (MANE Select); coding-DNA position 230, C replaced by G.
Protein change: p.Ser77Cys; replaces serine 77 with cysteine.
Molecular consequence: missense variant.
Genome position (GRCh38, 1-based): chr14:105,352,400, C>G. VCF-style: chr14-105352400-C-G. GRCh37 (hg19) VCF-style: chr14-105818737-C-G.
Other names: c.29C>G, p.Ser10Cys (NM_001243127.3); c.230C>G, p.Ser77Cys (NM_015197.4); short protein forms S10C, S77C.
Identifiers: ClinVar variation 4883011 (VCV004883011.2).